The following is an entry in ClinVar:

ClinVar aggregate classification (germline): Uncertain significance. Review status: criteria provided, multiple submitters, no conflicts (2 of 4 stars). 2 submissions from 2 submitters: Uncertain significance (2). Last evaluated 2025-09-26.

Conditions:
Hereditary cancer-predisposing syndrome. Also called: Hereditary Cancer Syndrome; Hereditary neoplastic syndrome; Neoplastic Syndromes, Hereditary; Tumor predisposition. Identifiers: Orphanet 140162, MedGen C0027672, MeSH D009386, MONDO:0015356.
Carney complex, type 1 (CNC1). Also called: CARNEY MYXOMA-ENDOCRINE COMPLEX; CARNEY COMPLEX, TYPE I. Identifiers: Orphanet 1359, MedGen C2607929, MONDO:0008057, OMIM 160980.

Allele frequency attached by ClinVar (database versions not stated): gnomAD exomes below 0.00001; ExAC 0.00001; ESP Exome Variant Server 0.00008.
gnomAD v4.1: 2 of 1,612,488 alleles (0.00012%); highest among the groups gnomAD compares: Non-Finnish European, 0.00017%; no homozygotes.

Submissions (2):

Ambry Genetics
Classification: Uncertain significance for Hereditary cancer-predisposing syndrome. Last evaluated: 2025-09-26. Review status: criteria provided, single submitter. Criteria: Ambry Variant Classification Scheme 2023. Collection method: clinical testing. Allele origin: germline.
Comment: The p.E247D variant (also known as c.741G>C), located in coding exon 7 of the PRKAR1A gene, results from a G to C substitution at nucleotide position 741. The glutamic acid at codon 247 is replaced by aspartic acid, an amino acid with highly similar properties. This amino acid position is highly conserved in available vertebrate species. In addition, the in silico prediction for this alteration is inconclusive. Based on the available evidence, the clinical significance of this variant remains unclear.

Labcorp Genetics (formerly Invitae), Labcorp
Classification: Uncertain significance for Carney complex, type 1. Last evaluated: 2021-10-07. Review status: criteria provided, single submitter. Criteria: Invitae Variant Classification Sherloc (09022015). Collection method: clinical testing. Allele origin: germline.
Comment: In summary, the available evidence is currently insufficient to determine the role of this variant in disease. Therefore, it has been classified as a Variant of Uncertain Significance. Algorithms developed to predict the effect of missense changes on protein structure and function (SIFT, PolyPhen-2, Align-GVGD) all suggest that this variant is likely to be tolerated. This variant has not been reported in the literature in individuals affected with PRKAR1A-related conditions. This variant is present in population databases (rs376701965, ExAC 0.002%). This sequence change replaces glutamic acid with aspartic acid at codon 247 of the PRKAR1A protein (p.Glu247Asp). The glutamic acid residue is highly conserved and there is a small physicochemical difference between glutamic acid and aspartic acid.

NM_002734.5(PRKAR1A):c.741G>C (p.Glu247Asp)

Gene: PRKAR1A (protein kinase cAMP-dependent type I regulatory subunit alpha; plus strand). Cytogenetic location: 17q24.2.
Variant type: single nucleotide variant.
Coding change: c.741G>C on transcript NM_002734.5 (MANE Select); coding-DNA position 741, G replaced by C.
Protein change: p.Glu247Asp; replaces glutamic acid 247 with aspartic acid.
Molecular consequence: missense variant.
Genome position (GRCh38, 1-based): chr17:68,527,872, G>C. VCF-style: chr17-68527872-G-C. GRCh37 (hg19) VCF-style: chr17-66524013-G-C.
Other names: c.741G>C, p.Glu247Asp (NM_001276289.2, NM_001276290.1, NM_001278433.2 and 4 more transcripts); c.741G>C (NM_002734.3); short protein forms E247D.
Identifiers: ClinVar variation 1434024 (VCV001434024.8), dbSNP rs376701965, ClinGen allele CA8729357.
Genomic context (GRCh38, chr17:68,527,872, plus strand): 5'-ATATCACTTTTGTTATTTTTATTTTTAGGGAAGCACACTGAGAAAGCGGAAGATGTATGA[G>C]GAATTCCTTAGTAAAGTCTCTATTTTAGGTGAGTTGTAAAGTGTGTTAACTTTGCTAGTA-3'
Protein context (NP_002725.1, residues 237-257): GSTLRKRKMY[Glu247Asp]EFLSKVSILE